The following is an entry in ClinVar:

NM_006922.4(SCN3A):c.559C>T (p.Arg187Cys)

Gene: SCN3A (sodium voltage-gated channel alpha subunit 3; minus strand). Cytogenetic location: 2q24.3.
Variant type: single nucleotide variant.
Coding change: c.559C>T on transcript NM_006922.4 (MANE Select); coding-DNA position 559, C replaced by T.
Protein change: p.Arg187Cys; replaces arginine 187 with cysteine.
Molecular consequence: missense variant.
Genome position (GRCh38, 1-based): chr2:165,164,435, G>A on the plus strand (C>T on the coding strand, the complement: SCN3A is on the minus strand). VCF-style: chr2-165164435-G-A. GRCh37 (hg19) VCF-style: chr2-166020945-G-A.
Other names: c.559C>T, p.Arg187Cys (NM_001081676.2, NM_001081677.2); short protein forms R187C.
Identifiers: ClinVar variation 666042 (VCV000666042.29), dbSNP rs777999021, ClinGen allele CA1939417.

ClinVar aggregate classification (germline): Uncertain significance. Review status: criteria provided, multiple submitters, no conflicts (2 of 4 stars). 3 submissions from 3 submitters: Uncertain significance (3). Last evaluated 2024-03-01.

Conditions:
Developmental and epileptic encephalopathy, 62. Also called: Early infantile epileptic encephalopathy 62. Identifiers: MedGen C4693699, MONDO:0033371, OMIM 617938.
Epilepsy, familial focal, with variable foci 4 (FFEVF4). Identifiers: MedGen C4693694, MONDO:0054776, OMIM 617935.

Allele frequency attached by ClinVar (database versions not stated): ExAC 0.00001; gnomAD exomes 0.00001; TOPMed 0.00001; gnomAD 0.00002.
gnomAD v4.1: 12 of 1,613,640 alleles (0.00074%); highest among the groups gnomAD compares: African/African-American, 0.004%; no homozygotes.

Submissions (3):

CeGaT Center for Human Genetics Tuebingen
Classification: Uncertain significance. Last evaluated: 2024-03-01. Review status: criteria provided, single submitter. Criteria: CeGaT Center For Human Genetics Tuebingen Variant Classification Criteria Version 2. Collection method: clinical testing. Allele origin: germline. Affected: yes. Observed: 1 variant allele.
Comment: SCN3A: PM2:Supporting, PP3

Labcorp Genetics (formerly Invitae), Labcorp
Classification: Uncertain significance. Last evaluated: 2023-11-21. Review status: criteria provided, single submitter. Criteria: Invitae Variant Classification Sherloc (09022015). Collection method: clinical testing. Allele origin: germline.
Comment: This sequence change replaces arginine, which is basic and polar, with cysteine, which is neutral and slightly polar, at codon 187 of the SCN3A protein (p.Arg187Cys). This variant is present in population databases (rs777999021, gnomAD 0.007%). This variant has not been reported in the literature in individuals affected with SCN3A-related conditions. ClinVar contains an entry for this variant (Variation ID: 666042). Advanced modeling of protein sequence and biophysical properties (such as structural, functional, and spatial information, amino acid conservation, physicochemical variation, residue mobility, and thermodynamic stability) performed at Invitae indicates that this missense variant is expected to disrupt SCN3A protein function with a positive predictive value of 80%. In summary, the available evidence is currently insufficient to determine the role of this variant in disease. Therefore, it has been classified as a Variant of Uncertain Significance.

Juno Genomics, Hangzhou Juno Genomics, Inc
Classification: Uncertain significance for Developmental and epileptic encephalopathy, 62; Epilepsy, familial focal, with variable foci 4. Review status: criteria provided, single submitter. Criteria: ACMG Guidelines, 2015. Collection method: clinical testing. Allele origin: germline. Affected: yes.
Comment: Absent from controls (or at extremely low frequency if recessive) in Genome Aggregation Database, Exome Sequencing Project, 1000 Genomes Project, or Exome Aggregation Consortium.;Multiple lines of computational evidence support a deleterious effect on the gene or gene product (conservation, evolutionary, splicing impact, etc).;Missense variant in a gene that has a low rate of benign missense variation and where missense variants are a common mechanism of disease.